The following is an entry in ClinVar:

NM_004174.4(SLC9A3):c.915G>A (p.Ser305=)

Gene: SLC9A3 (solute carrier family 9 member A3). Cytogenetic location: 5p15.33.
Variant type: single nucleotide variant.
Coding change: c.915G>A on transcript NM_004174.4 (MANE Select); coding-DNA position 915, G replaced by A.
Protein change: p.Ser305=; no amino-acid change (serine 305 retained).
Molecular consequence: synonymous variant.
Genome position (GRCh38, 1-based): chr5:484,537, C>T on the plus strand (G>A on the coding strand, the complement: SLC9A3 is on the minus strand). VCF-style: chr5-484537-C-T. GRCh37 (hg19) VCF-style: chr5-484652-C-T.
Other names: c.915G>A, p.Ser305= (NM_001284351.3); c.915G>A (NM_004174.3).
Identifiers: ClinVar variation 1139967 (VCV001139967.13), dbSNP rs149222138, ClinGen allele CA3176153.

ClinVar aggregate classification (germline): Likely benign. Review status: criteria provided, multiple submitters, no conflicts (2 of 4 stars). 4 submissions from 4 submitters: Likely benign (3). 1 of the submissions does not count toward it. Last evaluated 2026-08-01.

Conditions:
SLC9A3-related disorder. Also called: SLC9A3-related condition.

Allele frequency attached by ClinVar (database versions not stated): 1000 Genomes Project 30x 0.00078; gnomAD exomes 0.00078; 1000 Genomes Project 0.00080; ESP Exome Variant Server 0.00092; ExAC 0.00100; gnomAD 0.00064 and 0.00072; TOPMed 0.00069.
gnomAD v4.1: 1,742 of 1,612,916 alleles (0.11%); highest among the groups gnomAD compares: Non-Finnish European, 0.13%; 4 homozygotes.

Submissions (4):

CeGaT Center for Human Genetics Tuebingen
Classification: Likely benign. Last evaluated: 2026-08-01. Review status: criteria provided, single submitter. Criteria: CeGaT Center For Human Genetics Tuebingen Variant Classification Criteria Version 2. Collection method: clinical testing. Allele origin: germline. Affected: yes. Observed: 1 variant allele.
Comment: SLC9A3: BP4, BP7

Labcorp Genetics (formerly Invitae), Labcorp
Classification: Likely benign. Last evaluated: 2026-02-01. Review status: criteria provided, single submitter. Criteria: Invitae Variant Classification Sherloc (09022015). Collection method: clinical testing. Allele origin: germline.

Blueprint Genetics
Classification: Likely benign. Last evaluated: 2024-11-07. Review status: criteria provided, single submitter. Criteria: ACMG Guidelines, 2015. Collection method: clinical testing. Allele origin: germline.

PreventionGenetics, part of Exact Sciences
Classification: Likely benign for SLC9A3-related condition. Last evaluated: 2019-10-28. Review status: no assertion criteria provided. Collection method: clinical testing. Allele origin: germline. Not counted in ClinVar's aggregate classification.
Comment: This variant is classified as likely benign based on ACMG/AMP sequence variant interpretation guidelines (Richards et al. 2015 PMID: 25741868, with internal and published modifications).